The following is an entry in ClinVar:

ClinVar aggregate classification (germline): Uncertain significance. Review status: criteria provided, multiple submitters, no conflicts (2 of 4 stars). 2 submissions from 2 submitters: Uncertain significance (2). Last evaluated 2022-03-30.

Conditions:
Cardiovascular phenotype. Identifiers: MedGen CN230736.
Hereditary cancer-predisposing syndrome. Also called: Hereditary neoplastic syndrome; Neoplastic Syndromes, Hereditary; Tumor predisposition; Hereditary Cancer Syndrome. Identifiers: Orphanet 140162, MedGen C0027672, MeSH D009386, MONDO:0015356.
Juvenile myelomonocytic leukemia (JMML). Also called: LEUKEMIA, JUVENILE MYELOMONOCYTIC, SOMATIC. Identifiers: Orphanet 86834, MedGen C0349639, MONDO:0011908, OMIM 607785, HP:0012209.
Neurofibromatosis-Noonan syndrome (NFNS). Also called: NEUROFIBROMATOSIS WITH NOONAN PHENOTYPE. Identifiers: Orphanet 638, MedGen C2931482, MONDO:0011035, OMIM 601321. Disease mechanism: loss of function.
Neurofibromatosis, familial spinal (FSNF). Identifiers: Orphanet 636, MedGen C1834235, MONDO:0008078, OMIM 162210. Disease mechanism: loss of function.
Neurofibromatosis, type 1 (NF1). Also called: VON RECKLINGHAUSEN DISEASE; Peripheral type neurofibromatosis; NEUROFIBROMATOSIS, TYPE I, SOMATIC; Neurofibromatosis, type I. Identifiers: Orphanet 636, MedGen C0027831, MONDO:0018975, OMIM 162200. Disease mechanism: loss of function.
Café-au-lait macules with pulmonary stenosis (WTSN). Also called: PULMONIC STENOSIS WITH CAFE-AU-LAIT SPOTS. Identifiers: MedGen C0553586, MONDO:0008672, OMIM 193520.

Allele frequency attached by ClinVar (database versions not stated): gnomAD 0.00001.
gnomAD v4.1: 1 of 1,613,900 alleles (0.000062%); highest among the groups gnomAD compares: Non-Finnish European, 0.000085%; no homozygotes.

Submissions (2):

Fulgent Genetics
Classification: Uncertain significance for Neurofibromatosis, type 1; Neurofibromatosis, familial spinal; Café-au-lait macules with pulmonary stenosis; Neurofibromatosis-Noonan syndrome; Juvenile myelomonocytic leukemia. Last evaluated: 2022-03-30. Review status: criteria provided, single submitter. Criteria: ACMG Guidelines, 2015. Collection method: clinical testing. Allele origin: unknown.

Ambry Genetics
Classification: Uncertain significance for Cardiovascular phenotype; Hereditary cancer-predisposing syndrome. Last evaluated: 2016-11-04. Review status: criteria provided, single submitter. Criteria: Ambry Variant Classification Scheme 2023. Collection method: clinical testing. Allele origin: germline.
Comment: The p.K297R variant (also known as c.890A>G), located in coding exon 9 of the NF1 gene, results from an A to G substitution at nucleotide position 890. The lysine at codon 297 is replaced by arginine, an amino acid with highly similar properties. This variant was not reported in population based cohorts in the following databases: Database of Single Nucleotide Polymorphisms (dbSNP), NHLBI Exome Sequencing Project (ESP), and 1000 Genomes Project. In the ESP, this variant was not observed in 6503 samples (13006 alleles) with coverage at this position. To date, this alteration has been detected with an allele frequency of approximately 0.001% (greater than 175000 alleles tested) in our clinical cohort. This amino acid position is highly conserved in available vertebrate species. In addition, the in silico prediction for this alteration is inconclusive. Since supporting evidence is limited at this time, the clinical significance of this alteration remains unclear.

NM_001042492.3(NF1):c.890A>G (p.Lys297Arg)

Gene: NF1 (neurofibromin 1; plus strand). Cytogenetic location: 17q11.2.
Variant type: single nucleotide variant.
Coding change: c.890A>G on transcript NM_001042492.3 (MANE Select); coding-DNA position 890, A replaced by G.
Protein change: p.Lys297Arg; replaces lysine 297 with arginine.
Molecular consequence: missense variant.
Genome position (GRCh38, 1-based): chr17:31,200,423, A>G. VCF-style: chr17-31200423-A-G. GRCh37 (hg19) VCF-style: chr17-29527441-A-G.
Other names: c.890A>G, p.Lys297Arg (NM_000267.4, NM_001128147.3); short protein forms K297R.
Identifiers: ClinVar variation 481962 (VCV000481962.6), dbSNP rs1219929525, ClinGen allele CA398995487.